The following is an entry in ClinVar:

NM_144991.3(TSPEAR):c.235C>T (p.Gln79Ter)

Gene: TSPEAR (thrombospondin type laminin G domain and EAR repeats; minus strand). Cytogenetic location: 21q22.3.
Variant type: single nucleotide variant.
Coding change: c.235C>T on transcript NM_144991.3 (MANE Select); coding-DNA position 235, C replaced by T.
Protein change: p.Gln79Ter; replaces glutamine 79 with a stop codon.
Molecular consequence: nonsense.
Genome position (GRCh38, 1-based): chr21:44,567,853, G>A on the plus strand (C>T on the coding strand, the complement: TSPEAR is on the minus strand). VCF-style: chr21-44567853-G-A. GRCh37 (hg19) VCF-style: chr21-45987737-G-A.
Other names: c.31C>T, p.Gln11Ter (NM_001272037.2); short protein forms Q11*, Q79*.
Identifiers: ClinVar variation 2880629 (VCV002880629.4), dbSNP rs782412271, ClinGen allele CA321843512.

ClinVar aggregate classification (germline): Pathogenic/Likely pathogenic. Review status: criteria provided, multiple submitters, no conflicts (2 of 4 stars). 2 submissions from 2 submitters: Pathogenic (1); Likely pathogenic (1). Last evaluated 2026-02-27.

Conditions:
Ectodermal dysplasia 14, hair/tooth type with or without hypohidrosis. Identifiers: Orphanet 685067, MedGen C4748560, MONDO:0032584, OMIM 618180.

Allele frequency attached by ClinVar (database versions not stated): TOPMed 0.00002; gnomAD exomes 0.00001.

Submissions (2):

Institute of Medical Genetics and Applied Genomics, University Hospital Tübingen
Classification: Likely pathogenic for Ectodermal dysplasia 14, hair/tooth type with or without hypohidrosis. Last evaluated: 2026-02-27. Review status: criteria provided, single submitter. Criteria: ACMG Guidelines, 2015. Collection method: clinical testing. Allele origin: germline. Inheritance: Autosomal recessive inheritance. Affected: yes.

Labcorp Genetics (formerly Invitae), Labcorp
Classification: Pathogenic. Last evaluated: 2024-01-09. Review status: criteria provided, single submitter. Criteria: Invitae Variant Classification Sherloc (09022015). Collection method: clinical testing. Allele origin: germline.
Comment: This sequence change creates a premature translational stop signal (p.Gln79*) in the TSPEAR gene. It is expected to result in an absent or disrupted protein product. Loss-of-function variants in TSPEAR are known to be pathogenic (PMID: 34042254). This variant is not present in population databases (gnomAD no frequency). This variant has not been reported in the literature in individuals affected with TSPEAR-related conditions. For these reasons, this variant has been classified as Pathogenic.

Literature cited by the submitters: PubMed 34042254 (cited by Labcorp Genetics (formerly Invitae), Labcorp).